The following is an entry in ClinVar:

NM_000424.4(KRT5):c.706G>A (p.Glu236Lys)

Genes: KRT5 (keratin 5; minus strand), LOC126861526 (BRD4-independent group 4 enhancer GRCh37_chr12:52912066-52913265; plus strand). Cytogenetic location: 12q13.13.
Variant type: single nucleotide variant.
Coding change: c.706G>A on transcript NM_000424.4 (MANE Select); coding-DNA position 706, G replaced by A.
Protein change: p.Glu236Lys; replaces glutamic acid 236 with lysine.
Molecular consequence: missense variant.
Genome position (GRCh38, 1-based): chr12:52,519,010, C>T on the plus strand (G>A on the coding strand, the complement: KRT5 is on the minus strand). VCF-style: chr12-52519010-C-T. GRCh37 (hg19) VCF-style: chr12-52912794-C-T.
Other names: short protein forms E236K.
Identifiers: ClinVar variation 4681194 (VCV004681194.1).

ClinVar aggregate classification (germline): Uncertain significance (1 of 4 stars; one submission).

Conditions:
Abnormal skin pigmentation. Also called: Abnormality of skin pigmentation. Identifiers: MedGen C1260926, HP:0001000.

gnomAD v4.1: 3 of 1,614,010 alleles (0.00019%); highest among the groups gnomAD compares: Admixed American, 0.0017%; no homozygotes.

Submission:

Clinical Genetics Laboratory, Skane University Hospital Lund
Classification: Uncertain significance for Abnormal skin pigmentation. Last evaluated: 2026-01-08. Review status: criteria provided, single submitter. Criteria: ACMG Guidelines, 2015. Collection method: clinical testing. Allele origin: germline. Affected: yes.
Comment: ACMG criteria applied: PP3.